The following is an entry in ClinVar:

NM_003172.4(SURF1):c.577C>T (p.Gln193Ter)

Gene: SURF1 (SURF1 cytochrome c oxidase assembly factor; minus strand). Cytogenetic location: 9q34.2.
Variant type: single nucleotide variant.
Coding change: c.577C>T on transcript NM_003172.4 (MANE Select); coding-DNA position 577, C replaced by T.
Protein change: p.Gln193Ter; replaces glutamine 193 with a stop codon.
Molecular consequence: nonsense.
Genome position (GRCh38, 1-based): chr9:133,352,705, G>A on the plus strand (C>T on the coding strand, the complement: SURF1 is on the minus strand). VCF-style: chr9-133352705-G-A. GRCh37 (hg19) VCF-style: chr9-136219560-G-A.
Other names: c.250C>T, p.Gln84Ter (NM_001280787.1); short protein forms Q193*, Q84*.
Identifiers: ClinVar variation 1363063 (VCV001363063.6), dbSNP rs782420522, ClinGen allele CA375693983.
Genomic context (GRCh38, chr9:133,352,705, plus strand): 5'-GTGGACTCCCAGAGCCTTCTCTAAAGTAGGAAGAGTCCATGTCCCTTACCTGGCCTTTCT[G>A]CCGGGTTTCAGGATTCACTTTCTTCCTGGGAACGAACCCTCTATTTACCAGGATGGTGAC-3'

ClinVar aggregate classification (germline): Pathogenic (1 of 4 stars; one submission).

Conditions:
Leigh syndrome (NULS). Also called: Leigh Disease; Leigh's syndrome; Subacute necrotizing encephalopathy; Necrotizing encephalopathy infantile subacute of Leigh; LEIGH SYNDROME, NUCLEAR; Leigh Syndrome (mtDNA deletion). Identifiers: Orphanet 506, MedGen C2931891, MONDO:0009723, OMIM 256000.

Submission:

Labcorp Genetics (formerly Invitae), Labcorp
Classification: Pathogenic for Leigh syndrome. Last evaluated: 2021-08-09. Review status: criteria provided, single submitter. Criteria: Invitae Variant Classification Sherloc (09022015). Collection method: clinical testing. Allele origin: germline.
Comment: For these reasons, this variant has been classified as Pathogenic. This sequence change creates a premature translational stop signal (p.Gln193*) in the SURF1 gene. It is expected to result in an absent or disrupted protein product. Loss-of-function variants in SURF1 are known to be pathogenic (PMID: 10443880, 22488715, 24027061). This variant is not present in population databases (ExAC no frequency). This variant has not been reported in the literature in individuals affected with SURF1-related conditions. Algorithms developed to predict the effect of sequence changes on RNA splicing suggest that this variant may create or strengthen a splice site.

Literature cited by the submitters: PubMed 10443880; PubMed 22488715; PubMed 24027061.